The following is an entry in ClinVar:

NM_004168.4(SDHA):c.1304T>G (p.Leu435Arg)

Gene: SDHA (succinate dehydrogenase complex flavoprotein subunit A; plus strand). Cytogenetic location: 5p15.33.
Variant type: single nucleotide variant.
Coding change: c.1304T>G on transcript NM_004168.4 (MANE Select); coding-DNA position 1304, T replaced by G.
Protein change: p.Leu435Arg; replaces leucine 435 with arginine.
Molecular consequence: missense variant.
Genome position (GRCh38, 1-based): chr5:236,471, T>G. VCF-style: chr5-236471-T-G. GRCh37 (hg19) VCF-style: chr5-236586-T-G.
Other names: c.1160T>G, p.Leu387Arg (NM_001294332.2); c.1304T>G, p.Leu435Arg (NM_001330758.2); c.1304T>G (NM_004168.3); short protein forms L387R, L435R.
Identifiers: ClinVar variation 1438967 (VCV001438967.11), dbSNP rs1579409500, ClinGen allele CA359013888.

ClinVar aggregate classification (germline): Conflicting classifications of pathogenicity. Review status: criteria provided, conflicting classifications (1 of 4 stars). 4 submissions from 4 submitters: Likely pathogenic (2); Uncertain significance (2). Last evaluated 2025-11-14.

Conditions:
Mitochondrial complex II deficiency, nuclear type 1. Also called: SUCCINATE CoQ REDUCTASE DEFICIENCY. Identifiers: Orphanet 3208, MedGen C5700310, MONDO:0100294, OMIM 252011.
Pheochromocytoma/paraganglioma syndrome 5. Also called: Paragangliomas 5; SDHA-Related Hereditary Paraganglioma-Pheochromocytoma Syndrome. Identifiers: Orphanet 29072, MedGen C3279992, MONDO:0013602, OMIM 614165.
Hereditary cancer-predisposing syndrome. Also called: Neoplastic Syndromes, Hereditary; Hereditary Cancer Syndrome; Hereditary neoplastic syndrome; Tumor predisposition. Identifiers: Orphanet 140162, MedGen C0027672, MeSH D009386, MONDO:0015356.
Dilated cardiomyopathy 1GG (CMD1GG). Identifiers: Orphanet 154, MedGen C3150898, MONDO:0013339, OMIM 613642.

Submissions (4):

Labcorp Genetics (formerly Invitae), Labcorp
Classification: Likely pathogenic for Pheochromocytoma/paraganglioma syndrome 5; Mitochondrial complex II deficiency, nuclear type 1. Last evaluated: 2025-11-14. Review status: criteria provided, single submitter. Criteria: Invitae Variant Classification Sherloc (09022015). Collection method: clinical testing. Allele origin: germline.
Comment: This sequence change replaces leucine, which is neutral and non-polar, with arginine, which is basic and polar, at codon 435 of the SDHA protein (p.Leu435Arg). This variant is not present in population databases (gnomAD no frequency). This missense change has been observed in individuals with autosomal dominant SDHA-related conditions (internal data). ClinVar contains an entry for this variant (Variation ID: 1438967). Invitae Evidence Modeling of protein sequence and biophysical properties (such as structural, functional, and spatial information, amino acid conservation, physicochemical variation, residue mobility, and thermodynamic stability) indicates that this missense variant is expected to disrupt SDHA protein function with a positive predictive value of 95%. In summary, the currently available evidence indicates that the variant is pathogenic, but additional data are needed to prove that conclusively. Therefore, this variant has been classified as Likely Pathogenic.

Ambry Genetics
Classification: Likely pathogenic for Hereditary cancer-predisposing syndrome. Last evaluated: 2025-11-04. Review status: criteria provided, single submitter. Criteria: Ambry Variant Classification Scheme 2023. Collection method: clinical testing. Allele origin: germline.
Comment: The p.L435R variant (also known as c.1304T>G), located in coding exon 10 of the SDHA gene, results from a T to G substitution at nucleotide position 1304. The leucine at codon 435 is replaced by arginine, an amino acid with dissimilar properties. This variant was reported in individual(s) with features consistent with SDHA-related hereditary pheochromocytoma-paraganglioma (Ambry internal data; external communication). This amino acid position is highly conserved in available vertebrate species. In addition, this alteration is predicted to be deleterious by in silico analysis. This variant is considered to be rare based on population cohorts in the Genome Aggregation Database (gnomAD). Based on the majority of available evidence to date, this variant is likely to be pathogenic.

Quest Diagnostics Nichols Institute San Juan Capistrano
Classification: Uncertain significance. Last evaluated: 2024-07-16. Review status: criteria provided, single submitter. Criteria: Quest Diagnostics criteria. Collection method: clinical testing. Allele origin: unknown.
Comment: The SDHA c.1304T>G (p.Leu435Arg) variant has not been reported in individuals with SDHA-related conditions in the published literature. It also has not been reported in large, multi-ethnic general populations (Genome Aggregation Database). Analysis of this variant using bioinformatics tools for the prediction of the effect of amino acid changes on protein structure and function yielded predictions that this variant is damaging. Additional analysis using software algorithms for the prediction of the effect of nucleotide changes on SDHA mRNA splicing yielded predictions that this variant may result in the gain of a cryptic splice site without affecting the natural splice sites. Based on the available information, we are unable to determine the clinical significance of this variant.

Baylor Genetics
Classification: Uncertain significance for Dilated cardiomyopathy 1GG. Last evaluated: 2024-01-04. Review status: criteria provided, single submitter. Criteria: ACMG Guidelines, 2015. Collection method: clinical testing. Allele origin: unknown.